The following is an entry in ClinVar:

NM_139215.3:c.1401_1402ins1351_1377

Gene: TAF15 (TATA-box binding protein associated factor 15; plus strand).
Variant type: Insertion.
Other names: c.1401_1402ins1351_1377 (NM_139215.3).
Identifiers: ClinVar variation 4820022 (VCV004820022.1).

ClinVar aggregate classification (germline): Uncertain significance (1 of 4 stars; one submission).

Conditions:
Amyotrophic lateral sclerosis (ALS). Also called: Lou Gehrig disease; Charcot disease. Identifiers: Orphanet 803, MedGen C0002736, MONDO:0004976, HP:0007354.

Submission:

Department of Neurology, Brain Research Institute, Niigata University
Classification: Uncertain significance for Amyotrophic lateral sclerosis. Last evaluated: 2026-04-10. Review status: criteria provided, single submitter. Criteria: ACMG Guidelines, 2015. Collection method: research. Allele origin: unknown. Affected: yes.